The following is an entry in ClinVar:

ClinVar aggregate classification (germline): Conflicting classifications of pathogenicity. Review status: criteria provided, conflicting classifications (1 of 4 stars). 3 submissions from 2 submitters: Uncertain significance (2); Benign (1). Last evaluated 2018-01-13.

Conditions:
Familial hyperinsulinism. Also called: Congenital hyperinsulinism. Identifiers: Orphanet 276525, MedGen C3888018, MONDO:0017182. Disease mechanism: loss of function.
Maturity-onset diabetes of the young (MODY). Also called: Maturity onset diabetes mellitus in young. Identifiers: Orphanet 552, MedGen C0342276, MONDO:0018911, HP:0004904.
Maturity-onset diabetes of the young type 1. Also called: MILD JUVENILE DIABETES MELLITUS; MODY, type I; MODY type 1; Diabetes mellitus MODY type 1; MODY HNF4A related; HNF4A-Related Maturity-Onset Diabetes of the Young Type 1. Identifiers: Orphanet 552, MedGen C1852093, MONDO:0007452, OMIM 125850. Disease mechanism: loss of function.

Allele frequency attached by ClinVar (database versions not stated): gnomAD 0.00011 and 0.00013; TOPMed 0.00018; 1000 Genomes Project 0.00020; 1000 Genomes Project 30x 0.00031.

Submissions (3):

Illumina Laboratory Services, Illumina
Classification: Uncertain significance for Familial hyperinsulinism. Last evaluated: 2018-01-13. Review status: criteria provided, single submitter. Criteria: ICSL Variant Classification Criteria 13 December 2019. Collection method: clinical testing. Allele origin: germline.

Illumina Laboratory Services, Illumina
Classification: Uncertain significance for Maturity-onset diabetes of the young type 1. Last evaluated: 2018-01-13. Review status: criteria provided, single submitter. Criteria: ICSL Variant Classification Criteria 13 December 2019. Collection method: clinical testing. Allele origin: germline.

Clinical Genomics, Uppaluri K&H Personalized Medicine Clinic
Classification: Benign for Maturity-onset diabetes of the young. Review status: criteria provided, single submitter. Criteria: K & H Uppaluri Personalized Medicine Clinic Variant Classification & Assertion Criteria_Updated V.1. Collection method: research. Allele origin: unknown. Inheritance: Autosomal dominant inheritance.
Comment: Potent mutations in HNF4A are associated with poor insulin secretion in response to hyperglycemia. Associated with MODY1. Patients initially respond well to sulfonylureas but eventually become insulin dependent. However, more evidence is required to ascertain the role of this particular variant rs373068234 in MODY, yet.

Literature cited by the submitters: DOI 10.1159/000334532 (cited by Clinical Genomics, Uppaluri K&H Personalized Medicine Clinic); PubMed 18268044 (cited by Clinical Genomics, Uppaluri K&H Personalized Medicine Clinic); PubMed 17563455 (cited by Clinical Genomics, Uppaluri K&H Personalized Medicine Clinic); PubMed 32583173 (cited by Clinical Genomics, Uppaluri K&H Personalized Medicine Clinic); PubMed 35052457 (cited by Clinical Genomics, Uppaluri K&H Personalized Medicine Clinic); PubMed 35118593 (cited by Clinical Genomics, Uppaluri K&H Personalized Medicine Clinic).

NM_175914.5(HNF4A):c.*2374G>C

Gene: HNF4A (hepatocyte nuclear factor 4 alpha; plus strand). Cytogenetic location: 20q13.12.
Variant type: single nucleotide variant.
Coding change: c.*2374G>C on transcript NM_175914.5 (MANE Select); 2374 bases downstream of the stop codon, G replaced by C.
Molecular consequence: 3 prime UTR variant.
Genome position (GRCh38, 1-based): chr20:44,432,039, G>C. VCF-style: chr20-44432039-G-C. GRCh37 (hg19) VCF-style: chr20-43060679-G-C.
Other names: c.*2374G>C (NM_000457.6, NM_001030003.3, NM_001258355.2 and 3 more transcripts).
Identifiers: ClinVar variation 338470 (VCV000338470.6), dbSNP rs373068234, ClinGen allele CA10652541.
Genomic context (GRCh38, chr20:44,432,039, plus strand): 5'-AGTGCCCCTGAAATCCCTGCCAGACGGCTCAGCCTGGTCTGCGGTAAGGCAGGGAGGCTG[G>C]AACCATTTCTGGGCATTGTGGTCATTCCCACTGTGTTCCTCCACCTCCTCCCTCCAGCGT-3'